The following is an entry in ClinVar:

ClinVar aggregate classification (germline): Likely pathogenic. Review status: criteria provided, multiple submitters, no conflicts (2 of 4 stars). 3 submissions from 3 submitters: Likely pathogenic (3). Last evaluated 2025-04-04.

Conditions:
Hereditary antithrombin deficiency (AT3D). Also called: Reduced antithrombin III activity; Antithrombin III deficiency; Thrombophilia due to antithrombin III deficiency; Antithrombin deficiency. Identifiers: Orphanet 82, MedGen C0272375, MONDO:0013144, OMIM 613118, HP:0001976.

Allele frequency attached by ClinVar (database versions not stated): gnomAD 0.00001; gnomAD exomes 0.00001; TOPMed 0.00001.
gnomAD v4.1: 17 of 1,613,970 alleles (0.0011%); highest among the groups gnomAD compares: Admixed American, 0.0017%; no homozygotes.

Submissions (3):

Revvity Omics, Revvity
Classification: Likely pathogenic for Hereditary antithrombin deficiency. Last evaluated: 2025-04-04. Review status: criteria provided, single submitter. Criteria: ACMG Guidelines, 2015. Collection method: clinical testing. Allele origin: germline.

Labcorp Genetics (formerly Invitae), Labcorp
Classification: Likely pathogenic for Hereditary antithrombin deficiency. Last evaluated: 2024-10-23. Review status: criteria provided, single submitter. Criteria: Invitae Variant Classification Sherloc (09022015). Collection method: clinical testing. Allele origin: germline.
Comment: This sequence change replaces glutamic acid, which is acidic and polar, with lysine, which is basic and polar, at codon 227 of the SERPINC1 protein (p.Glu227Lys). This variant is not present in population databases (gnomAD no frequency). This missense change has been observed in individuals with clinical features of antithrombin III deficiency (PMID: 35486842). It has also been observed to segregate with disease in related individuals. Invitae Evidence Modeling of protein sequence and biophysical properties (such as structural, functional, and spatial information, amino acid conservation, physicochemical variation, residue mobility, and thermodynamic stability) has been performed for this missense variant. However, the output from this modeling did not meet the statistical confidence thresholds required to predict the impact of this variant on SERPINC1 protein function. Experimental studies have shown that this missense change affects SERPINC1 function (PMID: 35486842). In summary, the currently available evidence indicates that the variant is pathogenic, but additional data are needed to prove that conclusively. Therefore, this variant has been classified as Likely Pathogenic.

Juno Genomics, Hangzhou Juno Genomics, Inc
Classification: Likely pathogenic for Hereditary antithrombin deficiency. Review status: criteria provided, single submitter. Criteria: ACMG Guidelines, 2015. Collection method: clinical testing. Allele origin: germline.
Comment: Absent from controls (or at extremely low frequency if recessive) in Genome Aggregation Database.;Well-established in vitro or in vivo functional studies supportive of a damaging effect on the gene or gene product.;The prevalence of the variant in affected individuals is significantly increased compared to the prevalence in controls.;Patient's phenotype or family history is highly specific for a disease with a single genetic etiology.;Co-segregation with disease in multiple affected family members.

Literature cited by the submitters: PubMed 35486842 (cited by Labcorp Genetics (formerly Invitae), Labcorp).

NM_000488.4(SERPINC1):c.679G>A (p.Glu227Lys)

Gene: SERPINC1 (serpin family C member 1; minus strand). Cytogenetic location: 1q25.1.
Variant type: single nucleotide variant.
Coding change: c.679G>A on transcript NM_000488.4 (MANE Select); coding-DNA position 679, G replaced by A.
Protein change: p.Glu227Lys; replaces glutamic acid 227 with lysine.
Molecular consequence: missense variant.
Genome position (GRCh38, 1-based): chr1:173,910,837, C>T on the plus strand (G>A on the coding strand, the complement: SERPINC1 is on the minus strand). VCF-style: chr1-173910837-C-T. GRCh37 (hg19) VCF-style: chr1-173879975-C-T.
Other names: c.463G>A, p.Glu155Lys (NM_001386306.1); c.535G>A, p.Glu179Lys (NM_001365052.2); c.679G>A, p.Glu227Lys (NM_001386302.1, NM_001386304.1, NM_001386305.1); c.760G>A, p.Glu254Lys (NM_001386303.1); short protein forms E179K, E254K, E155K, E227K.
Identifiers: ClinVar variation 3012606 (VCV003012606.6), dbSNP rs1572089542, ClinGen allele CA343775569.